The following is an entry in ClinVar:

NM_005633.4(SOS1):c.3098A>G (p.Tyr1033Cys)

Gene: SOS1 (SOS Ras/Rac guanine nucleotide exchange factor 1; minus strand). Cytogenetic location: 2p22.1.
Variant type: single nucleotide variant.
Coding change: c.3098A>G on transcript NM_005633.4 (MANE Select); coding-DNA position 3098, A replaced by G.
Protein change: p.Tyr1033Cys; replaces tyrosine 1033 with cysteine.
Molecular consequence: missense variant.
Genome position (GRCh38, 1-based): chr2:38,995,371, T>C on the plus strand (A>G on the coding strand, the complement: SOS1 is on the minus strand). VCF-style: chr2-38995371-T-C. GRCh37 (hg19) VCF-style: chr2-39222512-T-C.
Other names: c.3077A>G, p.Tyr1026Cys (NM_001382394.1); c.3098A>G, p.Tyr1033Cys (NM_001382395.1); short protein forms Y1033C, Y1026C.
Identifiers: ClinVar variation 2453699 (VCV002453699.3), dbSNP rs1483311338, ClinGen allele CA346361233.

ClinVar aggregate classification (germline): Uncertain significance. Review status: criteria provided, multiple submitters, no conflicts (2 of 4 stars). 2 submissions from 2 submitters: Uncertain significance (2). Last evaluated 2024-07-22.

Conditions:
Cardiovascular phenotype. Identifiers: MedGen CN230736.

Allele frequency attached by ClinVar (database versions not stated): gnomAD exomes below 0.00001; TOPMed below 0.00001; gnomAD 0.00001.
gnomAD v4.1: 8 of 1,613,344 alleles (0.0005%); highest among the groups gnomAD compares: African/African-American, 0.0013%; no homozygotes.

Submissions (2):

Blueprint Genetics
Classification: Uncertain significance. Last evaluated: 2024-07-22. Review status: criteria provided, single submitter. Criteria: ACMG Guidelines, 2015. Collection method: clinical testing. Allele origin: germline.

Ambry Genetics
Classification: Uncertain significance for Cardiovascular phenotype. Last evaluated: 2023-01-11. Review status: criteria provided, single submitter. Criteria: Ambry Variant Classification Scheme 2023. Collection method: clinical testing. Allele origin: germline.
Comment: The p.Y1033C variant (also known as c.3098A>G), located in coding exon 20 of the SOS1 gene, results from an A to G substitution at nucleotide position 3098. The tyrosine at codon 1033 is replaced by cysteine, an amino acid with highly dissimilar properties. This amino acid position is conserved. In addition, this alteration is predicted to be tolerated by in silico analysis. Since supporting evidence is limited at this time, the clinical significance of this alteration remains unclear.